The following is an entry in ClinVar:

NM_016341.4(PLCE1):c.733G>A (p.Asp245Asn)

Gene: PLCE1 (phospholipase C epsilon 1; plus strand). Cytogenetic location: 10q23.33.
Variant type: single nucleotide variant.
Coding change: c.733G>A on transcript NM_016341.4 (MANE Select); coding-DNA position 733, G replaced by A.
Protein change: p.Asp245Asn; replaces aspartic acid 245 with asparagine.
Molecular consequence: missense variant.
Genome position (GRCh38, 1-based): chr10:94,031,779, G>A. VCF-style: chr10-94031779-G-A. GRCh37 (hg19) VCF-style: chr10-95791536-G-A.
Other names: c.733G>A, p.Asp245Asn (NM_001288989.2); short protein forms D245N.
Identifiers: ClinVar variation 1029440 (VCV001029440.2), dbSNP rs374137235, ClinGen allele CA5612171.
Genomic context (GRCh38, chr10:94,031,779, plus strand): 5'-AAGCAAAAGAAAAACTATGTGGCATATACCTGTAAACTGATGGAATTGGCCAAAAATTGT[G>A]ATAATAAGAATGAGCAGCTGCAGTGTGATCATTGTGACACCTTGAATGATAAATACTTTT-3'
Protein context (NP_057425.3, residues 235-255): CKLMELAKNC[Asp245Asn]NKNEQLQCDH

ClinVar aggregate classification (germline): Uncertain significance. Review status: criteria provided, multiple submitters, no conflicts (2 of 4 stars). 2 submissions from 2 submitters: Uncertain significance (2). Last evaluated 2024-05-21.

Conditions:
Nephrotic syndrome, type 3 (NPHS3). Also called: NEPHROTIC SYNDROME, EARLY-ONSET, TYPE 3. Identifiers: Orphanet 656, MedGen C1853124, MONDO:0012546, OMIM 610725.

Allele frequency attached by ClinVar (database versions not stated): gnomAD exomes below 0.00001 and 0.00001; ExAC 0.00001; gnomAD 0.00001 and 0.00002; TOPMed 0.00001.
gnomAD v4.1: 6 of 1,613,642 alleles (0.00037%); highest among the groups gnomAD compares: Middle Eastern, 0.016%; no homozygotes.

Submissions (2):

Fulgent Genetics
Classification: Uncertain significance for Nephrotic syndrome, type 3. Last evaluated: 2024-05-21. Review status: criteria provided, single submitter. Criteria: ACMG Guidelines, 2015. Collection method: clinical testing. Allele origin: germline.

Baylor Genetics
Classification: Uncertain significance for Nephrotic syndrome, type 3. Last evaluated: 2020-06-09. Review status: criteria provided, single submitter. Criteria: ACMG Guidelines, 2015. Collection method: clinical testing. Allele origin: unknown. Affected: yes.
Comment: This variant was determined to be of uncertain significance according to ACMG Guidelines, 2015 [PMID:25741868].